The following is an entry in ClinVar:

ClinVar aggregate classification (germline): Likely benign (1 of 4 stars; one submission).

Submission:

GeneDx
Classification: Likely benign. Last evaluated: 2017-09-12. Review status: criteria provided, single submitter. Criteria: GeneDx Variant Classification (06012015). Collection method: clinical testing. Allele origin: germline. Affected: yes.
Comment: This variant is considered likely benign or benign based on one or more of the following criteria: it is a conservative change, it occurs at a poorly conserved position in the protein, it is predicted to be benign by multiple in silico algorithms, and/or has population frequency not consistent with disease.

NM_000093.5(COL5A1):c.-28_-7del

Gene: COL5A1 (collagen type V alpha 1 chain; plus strand). Cytogenetic location: 9q34.3.
Variant type: Deletion.
Coding change: c.-28_-7del on transcript NM_000093.5 (MANE Select); 28 bases upstream of the start codon through 7 bases upstream of the start codon, 22 bases deleted (TGTGCGCCCCGGCCCGCGCCCC).
Molecular consequence: 5 prime UTR variant.
Genome position (GRCh38, 1-based): chr9:134,642,160-134,642,181, TGTGCGCCCCGGCCCGCGCCCC deleted; deleting any 22 consecutive bases within chr9:134,642,153-134,642,181 gives the same sequence; the c. name uses the placement nearest the transcript's 3' end. VCF-style (leftmost placement, unchanged base first): chr9-134642152-AGCGCCCCTGTGCGCCCCGGCCC-A. GRCh37 (hg19) VCF-style: chr9-137533998-AGCGCCCCTGTGCGCCCCGGCCC-A.
Other names: c.-28_-7del (NM_001278074.1).
Identifiers: ClinVar variation 512002 (VCV000512002.1), dbSNP rs1554772545, ClinGen allele CA658797335.